The following is an entry in ClinVar:

NM_000944.5(PPP3CA):c.1517A>G (p.Glu506Gly)

Gene: PPP3CA (protein phosphatase 3 catalytic subunit alpha; minus strand). Cytogenetic location: 4q24.
Variant type: single nucleotide variant.
Coding change: c.1517A>G on transcript NM_000944.5 (MANE Select); coding-DNA position 1517, A replaced by G.
Protein change: p.Glu506Gly; replaces glutamic acid 506 with glycine.
Molecular consequence: missense variant.
Genome position (GRCh38, 1-based): chr4:101,025,914, T>C on the plus strand (A>G on the coding strand, the complement: PPP3CA is on the minus strand). VCF-style: chr4-101025914-T-C. GRCh37 (hg19) VCF-style: chr4-101947071-T-C.
Other names: c.1487A>G, p.Glu496Gly (NM_001130691.2); c.1361A>G, p.Glu454Gly (NM_001130692.2); short protein forms E454G, E506G, E496G.
Identifiers: ClinVar variation 3714660 (VCV003714660.2).
Genomic context (GRCh38, chr4:101,025,914, plus strand): 5'-ACAGGAAGTGGTCACTGAATATTGCTGCTATTACTGCCATTGCTGTCCGTGCCGTTAGTC[T>C]CTGAGGTGAGAGCCTTGTTGATGGAGTTAAGGTTGGCGTCAGAGGGCATGGCATCTCTGC-3'
Protein context (NP_000935.1, residues 496-516): LNSINKALTS[Glu506Gly]TNGTDSNGSN

ClinVar aggregate classification (germline): Uncertain significance (1 of 4 stars; one submission).

gnomAD v4.1: 5 of 1,595,816 alleles (0.00031%); highest among the groups gnomAD compares: African/African-American, 0.0068%; no homozygotes.

Submission:

Labcorp Genetics (formerly Invitae), Labcorp
Classification: Uncertain significance. Last evaluated: 2025-07-10. Review status: criteria provided, single submitter. Criteria: Invitae Variant Classification Sherloc (09022015). Collection method: clinical testing. Allele origin: germline.
Comment: This sequence change replaces glutamic acid, which is acidic and polar, with glycine, which is neutral and non-polar, at codon 506 of the PPP3CA protein (p.Glu506Gly). The frequency data for this variant in the population databases is considered unreliable, as metrics indicate poor data quality at this position in the gnomAD database. This variant has not been reported in the literature in individuals affected with PPP3CA-related conditions. ClinVar contains an entry for this variant (Variation ID: 3714660). Experimental studies and prediction algorithms are not available or were not evaluated, and the functional significance of this variant is currently unknown. In summary, the available evidence is currently insufficient to determine the role of this variant in disease. Therefore, it has been classified as a Variant of Uncertain Significance.